The following is an entry in ClinVar:

ClinVar aggregate classification (germline): Pathogenic (1 of 4 stars; one submission).

Conditions:
Glycogen storage disease, type V (GSD5). Also called: MUSCLE GLYCOGEN PHOSPHORYLASE DEFICIENCY; MYOPHOSPHORYLASE DEFICIENCY; PYGM DEFICIENCY; McArdle type glycogen storage disease; MCARDLE DISEASE. Identifiers: Orphanet 368, MedGen C0017924, MONDO:0009293, OMIM 232600.

Submission:

Labcorp Genetics (formerly Invitae), Labcorp
Classification: Pathogenic for Glycogen storage disease, type V. Last evaluated: 2022-12-23. Review status: criteria provided, single submitter. Criteria: Invitae Variant Classification Sherloc (09022015). Collection method: clinical testing. Allele origin: germline.
Comment: This variant has not been reported in the literature in individuals affected with PYGM-related conditions. This variant is not present in population databases (gnomAD no frequency). This sequence change creates a premature translational stop signal (p.Gln730Glyfs*8) in the PYGM gene. It is expected to result in an absent or disrupted protein product. Loss-of-function variants in PYGM are known to be pathogenic (PMID: 8316268, 16786513). For these reasons, this variant has been classified as Pathogenic.

Literature cited by the submitters: PubMed 8316268; PubMed 16786513.

NM_005609.4(PYGM):c.2188_2189del (p.Gln730fs)

Gene: PYGM (glycogen phosphorylase, muscle associated; minus strand). Cytogenetic location: 11q13.1.
Variant type: Deletion.
Coding change: c.2188_2189del on transcript NM_005609.4 (MANE Select); coding-DNA positions 2188 to 2189, 2 bases deleted (CA; older notation c.2188_2189delCA).
Protein change: p.Gln730fs; shifts the reading frame from glutamine 730.
Molecular consequence: frameshift variant.
Genome position (GRCh38, 1-based): chr11:64,747,347-64,747,348, TG deleted on the plus strand (CA on the coding strand, the reverse complement: PYGM is on the minus strand). VCF-style (leftmost placement, unchanged base first): chr11-64747346-CTG-C. GRCh37 (hg19) VCF-style: chr11-64514818-CTG-C.
Other names: c.1924_1925del, p.Gln642fs (NM_001164716.1); short protein forms Q642fs, Q730fs.
Identifiers: ClinVar variation 2823487 (VCV002823487.3), dbSNP rs2496639945, ClinGen allele CA2739270506.